The following is an entry in ClinVar:

NM_001710.6(CFB):c.754G>A (p.Gly252Ser)

Gene: CFB (complement factor B; plus strand). Cytogenetic location: 6p21.33.
Variant type: single nucleotide variant.
Coding change: c.754G>A on transcript NM_001710.6 (MANE Select); coding-DNA position 754, G replaced by A.
Protein change: p.Gly252Ser; replaces glycine 252 with serine.
Molecular consequence: missense variant.
Genome position (GRCh38, 1-based): chr6:31,947,837, G>A. VCF-style: chr6-31947837-G-A. GRCh37 (hg19) VCF-style: chr6-31915614-G-A.
Other names: short protein forms G252S.
Identifiers: ClinVar variation 356280 (VCV000356280.36), dbSNP rs4151651, ClinGen allele CA3728136.

ClinVar aggregate classification (germline): Benign/Likely benign. Review status: criteria provided, multiple submitters, no conflicts (2 of 4 stars). 10 submissions from 10 submitters: Benign (6); Likely benign (3). 1 of the submissions does not count toward it. Last evaluated 2026-02-04.

Conditions:
CFB-related disorder. Also called: CFB-related condition; CFB-related disorders.
Atypical hemolytic-uremic syndrome with B factor anomaly. Also called: HEMOLYTIC UREMIC SYNDROME, ATYPICAL, SUSCEPTIBILITY TO, 4; AHUS, SUSCEPTIBILITY TO, 4. Identifiers: Orphanet 2134, MedGen C2752038, MONDO:0013042, OMIM 612924.
Atypical hemolytic-uremic syndrome. Identifiers: Orphanet 2134, MedGen C2931788, MONDO:0016244.

Allele frequency attached by ClinVar (database versions not stated): 1000 Genomes Project 0.01018; 1000 Genomes Project 30x 0.01077; TOPMed 0.02038; gnomAD 0.02344; ESP Exome Variant Server 0.02820.
gnomAD v4.1: 50,591 of 1,613,848 alleles (3.1%); highest among the groups gnomAD compares: Non-Finnish European, 3.8%; 962 homozygotes.

Submissions (10):

Labcorp Genetics (formerly Invitae), Labcorp
Classification: Benign. Last evaluated: 2026-02-04. Review status: criteria provided, single submitter. Criteria: Invitae Variant Classification Sherloc (09022015). Collection method: clinical testing. Allele origin: germline.

Women's Health and Genetics/Laboratory Corporation of America, LabCorp
Classification: Likely benign. Last evaluated: 2026-01-21. Review status: criteria provided, single submitter. Criteria: LabCorp Variant Classification Summary - May 2015. Collection method: clinical testing. Allele origin: germline.

Genomenon, Inc
Classification: Benign for Atypical hemolytic-uremic syndrome. Last evaluated: 2025-09-26. Review status: criteria provided, single submitter. Criteria: Genomenon Sequence Variant Interpretation Standards - Updated. Collection method: curation. Allele origin: germline. Affected: no.
Comment: CFB p.Gly252Ser (c.754G>A) is a missense variant that changes the amino acid at residue 252 from Glycine to Serine. This variant is present at high allele frequency in population databases. In conclusion, we classify CFB p.Gly252Ser (c.754G>A) as a benign variant.

CeGaT Center for Human Genetics Tuebingen
Classification: Benign. Last evaluated: 2025-01-01. Review status: criteria provided, single submitter. Criteria: CeGaT Center For Human Genetics Tuebingen Variant Classification Criteria Version 2. Collection method: clinical testing. Allele origin: germline. Affected: yes. Observed: 5 variant alleles.
Comment: CFB: BP4, BS1, BS2

Blueprint Genetics
Classification: Likely benign. Last evaluated: 2024-11-27. Review status: criteria provided, single submitter. Criteria: ACMG Guidelines, 2015. Collection method: clinical testing. Allele origin: germline.

Mayo Clinic Laboratories, Mayo Clinic
Classification: Benign. Last evaluated: 2023-10-30. Review status: criteria provided, single submitter. Criteria: ACMG Guidelines, 2015. Collection method: clinical testing. Allele origin: germline. Observed: 130 variant alleles.
Comment: BS1, BS2, BP4_strong

Genome Diagnostics Laboratory, The Hospital for Sick Children
Classification: Benign for Atypical hemolytic-uremic syndrome. Last evaluated: 2022-05-10. Review status: criteria provided, single submitter. Criteria: ACMG Guidelines, 2015. Collection method: clinical testing. Allele origin: germline.

Illumina Laboratory Services, Illumina
Classification: Benign for Atypical hemolytic-uremic syndrome with B factor anomaly. Last evaluated: 2018-01-12. Review status: criteria provided, single submitter. Criteria: ICSL Variant Classification Criteria 13 December 2019. Collection method: clinical testing. Allele origin: germline.
Comment: This variant was observed in the ICSL laboratory as part of a predisposition screen in an ostensibly healthy population. It had not been previously curated by ICSL or reported in the Human Gene Mutation Database (HGMD: prior to June 1st, 2018), and was therefore a candidate for classification through an automated scoring system. Utilizing variant allele frequency, disease prevalence and penetrance estimates, and inheritance mode, an automated score was calculated to assess if this variant is too frequent to cause the disease. Based on the score and internal cut-off values, a variant classified as benign is not then subjected to further curation. The score for this variant resulted in a classification of benign for this disease.

Breakthrough Genomics
Classification: Likely benign. Review status: criteria provided, single submitter. Criteria: ACMG Guidelines, 2015. Collection method: not provided. Allele origin: germline. Inheritance: Autosomal recessive inheritance. Affected: yes.

PreventionGenetics, part of Exact Sciences
Classification: Benign for CFB-related condition. Last evaluated: 2019-08-05. Review status: no assertion criteria provided. Collection method: clinical testing. Allele origin: germline. Not counted in ClinVar's aggregate classification.
Comment: This variant is classified as benign based on ACMG/AMP sequence variant interpretation guidelines (Richards et al. 2015 PMID: 25741868, with internal and published modifications).